The following is an entry in ClinVar:

ClinVar aggregate classification (germline): Conflicting classifications of pathogenicity. Review status: criteria provided, conflicting classifications (1 of 4 stars). 7 submissions from 6 submitters: Pathogenic (2); Likely pathogenic (2); Uncertain significance (1). 2 of the submissions do not count toward it. Last evaluated 2025-10-15.

Conditions:
Rare genetic deafness. Identifiers: Orphanet 96210, MedGen C5680250.
Autosomal dominant nonsyndromic hearing loss 3A. Identifiers: Orphanet 90635, MedGen C2675750, MONDO:0011103, OMIM 601544.
Autosomal recessive nonsyndromic hearing loss 1A (DFNB1A). Also called: Connexin 26 deafness; Deafness nonsyndromic, Connexin 26 linked; GJB6-Related DFNB 1 Nonsyndromic Hearing Loss and Deafness; Deafness, autosomal recessive 1A; Nonsyndromic Hearing Loss and Deafness, DFNB1; GJB2-Related Autosomal Recessive Nonsyndromic Hearing Loss. Identifiers: Orphanet 90636, MedGen C2673759, MONDO:0009076, OMIM 220290.

Submissions (7):

Natera, Inc.
Classification: Likely pathogenic for Autosomal recessive deafness type 1A. Last evaluated: 2025-10-15. Review status: criteria provided, single submitter. Criteria: Natera Variant Classification Schema (03/2026). Collection method: clinical testing. Allele origin: germline.
Comment: The c.564_565delGA variant in GJB2 is a frameshift variant predicted to shift the reading frame beginning at codon 188 and leads to a stop codon 21 codons downstream. This variant is expected to result in nonsense mediated decay, truncation, or a dysfunctional protein product. This variant is rare in the general population with a frequency below the threshold expected for the associated phenotype(s). Given the available evidence, this variant is classified as Likely Pathogenic.

GeneDx
Classification: Uncertain significance. Last evaluated: 2025-05-12. Review status: criteria provided, single submitter. Criteria: GeneDx Variant Classification Process June 2021. Collection method: clinical testing. Allele origin: germline. Affected: yes.
Comment: Identified in the heterozygous state in an individual with hearing loss (PMID: 15365987); Frameshift variant predicted to result in abnormal protein length as the last 39 amino acid(s) are replaced with 20 different amino acid(s), and other similar variants have been reported in HGMD; This variant is associated with the following publications: (PMID: 15365987)

Mayo Clinic Laboratories, Mayo Clinic
Classification: Likely pathogenic. Last evaluated: 2024-07-30. Review status: criteria provided, single submitter. Criteria: ACMG Guidelines, 2015. Collection method: clinical testing. Allele origin: germline. Observed: 1 variant allele.
Comment: PM2_moderate, PVS1_strong

ARUP Laboratories, Molecular Genetics and Genomics, ARUP Laboratories
Classification: Pathogenic. Last evaluated: 2022-07-08. Review status: criteria provided, single submitter. Criteria: ARUP Molecular Germline Variant Investigation Process 2021. Collection method: clinical testing. Allele origin: germline.
Comment: The GJB2 c.564_565delGA; p.Lys188AsnfsTer21 variant (rs770116143) is reported in the literature in an individual with hearing loss (Azaiez 2004). This variant is also reported in ClinVar (Variation ID: 371691). It is only observed on two alleles in the Genome Aggregation Database, indicating it is not a common polymorphism. This variant causes a frameshift by deleting two nucleotides, so it is predicted to result in a truncated protein or mRNA subject to nonsense-mediated decay. Based on available information, this variant is considered to be pathogenic. References: Azaiez H et al. GJB2: the spectrum of deafness-causing allele variants and their phenotype. Hum Mutat. 2004 Oct;24(4):305-11. PMID: 15365987.

Laboratory for Molecular Medicine, Mass General Brigham Personalized Medicine
Classification: Pathogenic for Rare genetic deafness. Last evaluated: 2016-10-25. Review status: criteria provided, single submitter. Criteria: LMM Criteria. Collection method: clinical testing. Allele origin: germline. Inheritance: Autosomal recessive inheritance. Observed: 1 variant allele.
Comment: The p.Lys188fs variant in GJB2 has been reported in 1 individual with hearing lo ss (Azaiez 2004). This variant has been identified in 2/10270 African chromosome s by the Exome Aggregation Consortium (ExAC; dbS NP rs770116143); however, this frequency is low enough to be consistent with a r ecessive carrier frequency. This variant is predicted to cause a frameshift, whi ch alters the protein?s amino acid sequence beginning at position 188 and leads to a premature termination codon 21 amino acids downstream. In summary, this var iant is pathogenic for autosomal recessive hearing loss based on its predicted i mpact on the protein.

Counsyl
Classification: Likely pathogenic for Autosomal recessive nonsyndromic hearing loss 1A. Last evaluated: 2016-09-09. Review status: no assertion criteria provided. Collection method: clinical testing. Allele origin: unknown. Not counted in ClinVar's aggregate classification.

Counsyl
Classification: Likely pathogenic for Autosomal dominant nonsyndromic hearing loss 3A. Last evaluated: 2016-09-09. Review status: no assertion criteria provided. Collection method: clinical testing. Allele origin: unknown. Not counted in ClinVar's aggregate classification.

Literature cited by the submitters: PubMed 15365987 (cited by 3 submitters).

NM_004004.6(GJB2):c.564_565del (p.Lys188fs)

Gene: GJB2 (gap junction protein beta 2; minus strand). Cytogenetic location: 13q12.11.
Variant type: Deletion.
Coding change: c.564_565del on transcript NM_004004.6 (MANE Select); coding-DNA positions 564 to 565, 2 bases deleted (GA; older notation c.564_565delGA).
Protein change: p.Lys188fs; shifts the reading frame from lysine 188.
Molecular consequence: frameshift variant.
Genome position (GRCh38, 1-based): chr13:20,189,017-20,189,018, TC deleted on the plus strand (GA on the coding strand, the reverse complement: GJB2 is on the minus strand); deleting any 2 consecutive bases within chr13:20,189,017-20,189,019 gives the same sequence; the c. name uses the placement nearest the transcript's 3' end. VCF-style (leftmost placement, unchanged base first): chr13-20189016-GTC-G. GRCh37 (hg19) VCF-style: chr13-20763155-GTC-G.
Other names: p.Lys188Asnfs*21; c.564_565del (NM_004004.5); short protein forms K188fs.
Identifiers: ClinVar variation 371691 (VCV000371691.11), dbSNP rs770116143, ClinGen allele CA6904235.